The following is an entry in ClinVar:

ClinVar aggregate classification (germline): Uncertain significance (1 of 4 stars; one submission).

Submission:

Labcorp Genetics (formerly Invitae), Labcorp
Classification: Uncertain significance. Last evaluated: 2025-11-18. Review status: criteria provided, single submitter. Criteria: Invitae Variant Classification Sherloc (09022015). Collection method: clinical testing. Allele origin: germline.
Comment: This sequence change replaces cysteine, which is neutral and slightly polar, with serine, which is neutral and polar, at codon 305 of the LPL protein (p.Cys305Ser). This variant is not present in population databases (gnomAD no frequency). This variant has not been reported in the literature in individuals affected with LPL-related conditions. Invitae Evidence Modeling of protein sequence and biophysical properties (such as structural, functional, and spatial information, amino acid conservation, physicochemical variation, residue mobility, and thermodynamic stability) indicates that this missense variant is expected to disrupt LPL protein function with a positive predictive value of 80%. In summary, the available evidence is currently insufficient to determine the role of this variant in disease. Therefore, it has been classified as a Variant of Uncertain Significance.

NM_000237.3(LPL):c.913T>A (p.Cys305Ser)

Gene: LPL (lipoprotein lipase; plus strand). Cytogenetic location: 8p21.3.
Variant type: single nucleotide variant.
Coding change: c.913T>A on transcript NM_000237.3 (MANE Select); coding-DNA position 913, T replaced by A.
Protein change: p.Cys305Ser; replaces cysteine 305 with serine.
Molecular consequence: missense variant.
Genome position (GRCh38, 1-based): chr8:19,955,978, T>A. VCF-style: chr8-19955978-T-A. GRCh37 (hg19) VCF-style: chr8-19813489-T-A.
Other names: short protein forms C305S.
Identifiers: ClinVar variation 4796988 (VCV004796988.1).